The following is an entry in ClinVar:

ClinVar aggregate classification (germline): Benign/Likely benign. Review status: criteria provided, multiple submitters, no conflicts (2 of 4 stars). 4 submissions from 4 submitters: Benign (1); Likely benign (3). Last evaluated 2026-04-01.

Submissions (4):

CeGaT Center for Human Genetics Tuebingen
Classification: Likely benign. Last evaluated: 2026-04-01. Review status: criteria provided, single submitter. Criteria: CeGaT Center For Human Genetics Tuebingen Variant Classification Criteria Version 2. Collection method: clinical testing. Allele origin: germline. Affected: yes. Observed: 1 variant allele.
Comment: PIEZO1: BP4

ARUP Laboratories, Molecular Genetics and Genomics, ARUP Laboratories
Classification: Benign. Last evaluated: 2025-04-15. Review status: criteria provided, single submitter. Criteria: ARUP Molecular Germline Variant Investigation Process 2024. Collection method: clinical testing. Allele origin: germline.

Blueprint Genetics
Classification: Likely benign. Last evaluated: 2024-06-18. Review status: criteria provided, single submitter. Criteria: ACMG Guidelines, 2015. Collection method: clinical testing. Allele origin: germline.

Labcorp Genetics (formerly Invitae), Labcorp
Classification: Likely benign. Last evaluated: 2018-05-24. Review status: criteria provided, single submitter. Criteria: Invitae Variant Classification Sherloc (09022015). Collection method: clinical testing. Allele origin: germline.

NM_001142864.4(PIEZO1):c.7316+8_7316+11del

Gene: PIEZO1 (piezo type mechanosensitive ion channel component 1 (Er blood group); minus strand). Cytogenetic location: 16q24.3.
Variant type: Microsatellite.
Coding change: c.7316+8_7316+11del on transcript NM_001142864.4 (MANE Select); bases 8 to 11 of the intron after coding-DNA position 7316, 4 bases deleted (AGTG; older notation c.7316+8_7316+11delAGTG).
Molecular consequence: splice donor variant.
Genome position (GRCh38, 1-based): chr16:88,715,922-88,715,925, CACT deleted on the plus strand (AGTG on the coding strand, the reverse complement: PIEZO1 is on the minus strand); deleting any 4 consecutive bases within chr16:88,715,922-88,715,932 gives the same sequence; the c. name uses the placement nearest the transcript's 3' end. VCF-style (leftmost placement, unchanged base first): chr16-88715921-CCACT-C. GRCh37 (hg19) VCF-style: chr16-88782329-CCACT-C.
Identifiers: ClinVar variation 721509 (VCV000721509.7), dbSNP rs368997650, ClinGen allele CA8231364.